The following is an entry in ClinVar:

NM_004655.4(AXIN2):c.1475C>A (p.Ala492Asp)

Gene: AXIN2 (axin 2; minus strand). Cytogenetic location: 17q24.1.
Variant type: single nucleotide variant.
Coding change: c.1475C>A on transcript NM_004655.4 (MANE Select); coding-DNA position 1475, C replaced by A.
Protein change: p.Ala492Asp; replaces alanine 492 with aspartic acid.
Molecular consequence: missense variant.
Genome position (GRCh38, 1-based): chr17:65,537,561, G>T on the plus strand (C>A on the coding strand, the complement: AXIN2 is on the minus strand). VCF-style: chr17-65537561-G-T. GRCh37 (hg19) VCF-style: chr17-63533679-G-T.
Other names: c.1475C>A (LRG_296t1); c.1475C>A, p.Ala492Asp (NM_001363813.1); short protein forms A492D.
Identifiers: ClinVar variation 572449 (VCV000572449.5), dbSNP rs1567755922, ClinGen allele CA400677426.

ClinVar aggregate classification (germline): Uncertain significance. Review status: criteria provided, multiple submitters, no conflicts (2 of 4 stars). 2 submissions from 2 submitters: Uncertain significance (2). Last evaluated 2026-07-07.

Conditions:
Hereditary cancer-predisposing syndrome. Also called: Neoplastic Syndromes, Hereditary; Hereditary Cancer Syndrome; Hereditary neoplastic syndrome; Tumor predisposition. Identifiers: Orphanet 140162, MedGen C0027672, MeSH D009386, MONDO:0015356.
Oligodontia-cancer predisposition syndrome. Also called: TOOTH AGENESIS-COLORECTAL CANCER SYNDROME. Identifiers: Orphanet 300576, MedGen C1837750, MONDO:0012075, OMIM 608615. Disease mechanism: loss of function.

Submissions (2):

Ambry Genetics
Classification: Uncertain significance for Hereditary cancer-predisposing syndrome. Last evaluated: 2026-07-07. Review status: criteria provided, single submitter. Criteria: Ambry Variant Classification Scheme 2023. Collection method: clinical testing. Allele origin: germline.
Comment: The p.A492D variant (also known as c.1475C>A), located in coding exon 5 of the AXIN2 gene, results from a C to A substitution at nucleotide position 1475. The alanine at codon 492 is replaced by aspartic acid, an amino acid with dissimilar properties. This amino acid position is conserved. In addition, this alteration is predicted to be tolerated by in silico analysis. Based on the available evidence, the clinical significance of this variant remains unclear.

Labcorp Genetics (formerly Invitae), Labcorp
Classification: Uncertain significance for Oligodontia-cancer predisposition syndrome. Last evaluated: 2021-09-01. Review status: criteria provided, single submitter. Criteria: Invitae Variant Classification Sherloc (09022015). Collection method: clinical testing. Allele origin: germline.